The following is an entry in ClinVar:

ClinVar aggregate classification (germline): Benign (1 of 4 stars; one submission).

Conditions:
Frank-Ter Haar syndrome. Also called: BORRONE DERMATOCARDIOSKELETAL SYNDROME; TER HAAR SYNDROME; MELNICK-NEEDLES SYNDROME, AUTOSOMAL RECESSIVE; Borrone di Rocco Crovato syndrome. Identifiers: Orphanet 1266, Orphanet 137834, MedGen C1855305, MONDO:0009579, OMIM 249420.

Allele frequency attached by ClinVar (database versions not stated): gnomAD 0.01487; TOPMed 0.01860; 1000 Genomes Project 0.02196; 1000 Genomes Project 30x 0.02358.
gnomAD v4.1: 3,530 of 985,498 alleles (0.36%); highest among the groups gnomAD compares: African/African-American, 5.6%; 116 homozygotes.

Submission:

Illumina Laboratory Services, Illumina
Classification: Benign for Frank-Ter Haar syndrome. Last evaluated: 2018-01-12. Review status: criteria provided, single submitter. Criteria: ICSL Variant Classification Criteria 13 December 2019. Collection method: clinical testing. Allele origin: germline.
Comment: This variant was observed in the ICSL laboratory as part of a predisposition screen in an ostensibly healthy population. It had not been previously curated by ICSL or reported in the Human Gene Mutation Database (HGMD: prior to June 1st, 2018), and was therefore a candidate for classification through an automated scoring system. Utilizing variant allele frequency, disease prevalence and penetrance estimates, and inheritance mode, an automated score was calculated to assess if this variant is too frequent to cause the disease. Based on the score and internal cut-off values, a variant classified as benign is not then subjected to further curation. The score for this variant resulted in a classification of benign for this disease.

NM_001017995.3(SH3PXD2B):c.*2127A>C

Gene: SH3PXD2B (SH3 and PX domains 2B; minus strand). Cytogenetic location: 5q35.1.
Variant type: single nucleotide variant.
Coding change: c.*2127A>C on transcript NM_001017995.3 (MANE Select); 2127 bases downstream of the stop codon, A replaced by C.
Molecular consequence: 3 prime UTR variant. On other transcripts: intron variant (1).
Genome position (GRCh38, 1-based): chr5:172,336,242, T>G on the plus strand (A>C on the coding strand, the complement: SH3PXD2B is on the minus strand). VCF-style: chr5-172336242-T-G. GRCh37 (hg19) VCF-style: chr5-171763246-T-G.
Other names: c.1188+9894A>C (NM_001308175.2).
Identifiers: ClinVar variation 352762 (VCV000352762.5), dbSNP rs28620195, ClinGen allele CA10621292.